The following is an entry in ClinVar:

NM_000443.4(ABCB4):c.1356A>G (p.Thr452=)

Gene: ABCB4 (ATP binding cassette subfamily B member 4; minus strand). Cytogenetic location: 7q21.12.
Variant type: single nucleotide variant.
Coding change: c.1356A>G on transcript NM_000443.4 (MANE Select); coding-DNA position 1356, A replaced by G.
Protein change: p.Thr452=; no amino-acid change (threonine 452 retained).
Molecular consequence: synonymous variant.
Genome position (GRCh38, 1-based): chr7:87,443,319, T>C on the plus strand (A>G on the coding strand, the complement: ABCB4 is on the minus strand). VCF-style: chr7-87443319-T-C. GRCh37 (hg19) VCF-style: chr7-87072635-T-C.
Other names: c.1356A>G, p.Thr452= (NM_018849.3, NM_018850.3).
Identifiers: ClinVar variation 3055481 (VCV003055481.2), dbSNP rs2546836895, ClinGen allele CA456349793.

ClinVar aggregate classification (germline): Likely benign (0 of 4 stars; one submission).

Conditions:
ABCB4-related disorder. Also called: ABCB4-related disorders; ABCB4-related condition.

Allele frequency attached by ClinVar (database versions not stated): gnomAD exomes below 0.00001.
gnomAD v4.1: 1 of 1,614,048 alleles (0.000062%); highest among the groups gnomAD compares: Non-Finnish European, 0.000085%; no homozygotes.

Submission:

PreventionGenetics, part of Exact Sciences
Classification: Likely benign for ABCB4-related condition. Last evaluated: 2022-05-27. Review status: no assertion criteria provided. Collection method: clinical testing. Allele origin: germline.
Comment: This variant is classified as likely benign based on ACMG/AMP sequence variant interpretation guidelines (Richards et al. 2015 PMID: 25741868, with internal and published modifications).